The following is an entry in ClinVar:

NM_013335.4(GMPPA):c.1001C>T (p.Thr334Met)

Genes: ASIC4-AS1 (ASIC4 antisense RNA 1; minus strand), GMPPA (GDP-mannose pyrophosphorylase A; plus strand). Cytogenetic location: 2q35.
Variant type: single nucleotide variant.
Coding change: c.1001C>T on transcript NM_013335.4 (MANE Select); coding-DNA position 1001, C replaced by T.
Protein change: p.Thr334Met; replaces threonine 334 with methionine.
Molecular consequence: missense variant.
Genome position (GRCh38, 1-based): chr2:219,506,261, C>T. VCF-style: chr2-219506261-C-T. GRCh37 (hg19) VCF-style: chr2-220370983-C-T.
Other names: c.1001C>T, p.Thr334Met (NM_001374294.1, NM_001374295.1, NM_205847.3); short protein forms T334M.
Identifiers: ClinVar variation 2627231 (VCV002627231.1), dbSNP rs774778439, ClinGen allele CA2128398.

ClinVar aggregate classification (germline): Uncertain significance (1 of 4 stars; one submission).

Allele frequency attached by ClinVar (database versions not stated): gnomAD 0.00001; gnomAD exomes 0.00001; ExAC 0.00003.

Submission:

Women's Health and Genetics/Laboratory Corporation of America, LabCorp
Classification: Uncertain significance. Last evaluated: 2023-09-14. Review status: criteria provided, single submitter. Criteria: LabCorp Variant Classification Summary - May 2015. Collection method: clinical testing. Allele origin: germline.
Comment: Variant summary: GMPPA c.1001C>T (p.Thr334Met) results in a non-conservative amino acid change in the encoded protein sequence. Five of five in-silico tools predict a damaging effect of the variant on protein function. The variant allele was found at a frequency of 1.6e-05 in 245840 control chromosomes. c.1001C>T has been reported in the literature in at least one homozygous individual affected with Alacrima, Achalasia, And Intellectual Disability Syndrome (e.g., Koehler_2013). These data indicate that the variant may be associated with disease. At least one publication reports that COS-7 cells transfected with variant Myc-tagged GMPPA displayed weak signal intensity and altered localization (Koehler_2013). The following publication has been ascertained in the context of this evaluation (PMID: 24035193). No submitters have cited clinical-significance assessments for this variant to ClinVar after 2014. Based on the evidence outlined above, the variant was classified as VUS-possibly pathogenic.

Literature cited by the submitters: PubMed 24035193.